The following is an entry in ClinVar:

NM_032531.4(KIRREL3):c.1166G>A (p.Arg389His)

Gene: KIRREL3 (kirre like nephrin family adhesion molecule 3; minus strand). Cytogenetic location: 11q24.2.
Variant type: single nucleotide variant.
Coding change: c.1166G>A on transcript NM_032531.4 (MANE Select); coding-DNA position 1166, G replaced by A.
Protein change: p.Arg389His; replaces arginine 389 with histidine.
Molecular consequence: missense variant.
Genome position (GRCh38, 1-based): chr11:126,445,065, C>T on the plus strand (G>A on the coding strand, the complement: KIRREL3 is on the minus strand). VCF-style: chr11-126445065-C-T. GRCh37 (hg19) VCF-style: chr11-126314960-C-T.
Other names: c.1166G>A, p.Arg389His (NM_001161707.2, NM_001301097.2); short protein forms R389H.
Identifiers: ClinVar variation 379453 (VCV000379453.6), dbSNP rs562824080, ClinGen allele CA6356004.

ClinVar aggregate classification (germline): Likely benign. Review status: criteria provided, multiple submitters, no conflicts (2 of 4 stars). 3 submissions from 3 submitters: Likely benign (3). Last evaluated 2019-12-31.

Allele frequency attached by ClinVar (database versions not stated): 1000 Genomes Project 30x 0.00031; gnomAD 0.00012 and 0.00025; ExAC 0.00078; TOPMed 0.00019; 1000 Genomes Project 0.00040; gnomAD exomes 0.00074.

Submissions (3):

Labcorp Genetics (formerly Invitae), Labcorp
Classification: Likely benign. Last evaluated: 2019-12-31. Review status: criteria provided, single submitter. Criteria: Invitae Variant Classification Sherloc (09022015). Collection method: clinical testing. Allele origin: germline.

GeneDx
Classification: Likely benign. Last evaluated: 2016-09-15. Review status: criteria provided, single submitter. Criteria: GeneDx Variant Classification (06012015). Collection method: clinical testing. Allele origin: germline. Affected: yes.
Comment: This variant is considered likely benign or benign based on one or more of the following criteria: it is a conservative change, it occurs at a poorly conserved position in the protein, it is predicted to be benign by multiple in silico algorithms, and/or has population frequency not consistent with disease.

Breakthrough Genomics
Classification: Likely benign. Review status: criteria provided, single submitter. Criteria: ACMG Guidelines, 2015. Collection method: not provided. Allele origin: germline. Inheritance: Unknown mechanism. Affected: yes.